The following is an entry in ClinVar:

ClinVar aggregate classification (germline): Pathogenic (1 of 4 stars; one submission).

Conditions:
Glycogen storage disease, type II (IOPD). Also called: Pompe Disease; CARDIOMEGALIA GLYCOGENICA DIFFUSA; GLYCOGENOSIS, GENERALIZED, CARDIAC FORM; GSD II; POMPE DISEASE, INFANTILE-ONSET; GLYCOGEN STORAGE DISEASE II, INFANTILE-ONSET. Identifiers: Orphanet 365, MedGen C0017921, MONDO:0009290, OMIM 232300.

Submission:

Genomenon, Inc
Classification: Pathogenic for Glycogen storage disease, type II. Last evaluated: 2026-07-01. Review status: criteria provided, single submitter. Criteria: Genomenon Sequence Variant Interpretation Standards - Updated. Collection method: curation. Allele origin: germline. Affected: yes.
Comment: GAA p.Ala719ArgfsTer45 (c.2154del) is a frameshift variant that is predicted to introduce a premature termination codon and result in a truncated or absent protein product. This variant has been observed in at least one proband with a GAA-related disorder (PMID:35071497). It is absent or not present at a significant frequency in gnomAD. In conclusion, we classify GAA p.Ala719ArgfsTer45 (c.2154del) as a pathogenic variant.

Literature cited by the submitters: PubMed 35071497.

NM_000152.5(GAA):c.2154del (p.Ala719fs)

Gene: GAA (alpha glucosidase; plus strand). Cytogenetic location: 17q25.3.
Variant type: Deletion.
Coding change: c.2154del on transcript NM_000152.5 (MANE Select); coding-DNA position 2154, one base deleted (C; older notation c.2154delC).
Protein change: p.Ala719fs; shifts the reading frame from alanine 719.
Molecular consequence: frameshift variant.
Genome position (GRCh38, 1-based): chr17:80,113,331, C deleted. VCF-style (leftmost placement, unchanged base first): chr17-80113330-TC-T. GRCh37 (hg19) VCF-style: chr17-78087129-TC-T.
Other names: c.2154del, p.Ala719fs (NM_001079803.3, NM_001079804.3, NM_001406741.1 and 1 more transcripts); short protein forms A719fs.
Identifiers: ClinVar variation 4876443 (VCV004876443.1).
Genomic context (GRCh38, chr17:80,113,330, plus strand): 5'-CCCTCACCCTGCGCTACGCACTCCTCCCCCACCTCTACACACTGTTCCACCAGGCCCACG[TC>T]GCGGGGGAGACCGTGGCCCGGCCCCTCTTCCTGGAGTGAGTGACCTAGGCAGGGGCGGTG-3'